The following is an entry in ClinVar:

NM_133368.3(RSPRY1):c.176A>G (p.Gln59Arg)

Gene: RSPRY1 (ring finger and SPRY domain containing 1; plus strand). Cytogenetic location: 16q13.
Variant type: single nucleotide variant.
Coding change: c.176A>G on transcript NM_133368.3 (MANE Select); coding-DNA position 176, A replaced by G.
Protein change: p.Gln59Arg; replaces glutamine 59 with arginine.
Molecular consequence: missense variant.
Genome position (GRCh38, 1-based): chr16:57,204,834, A>G. VCF-style: chr16-57204834-A-G. GRCh37 (hg19) VCF-style: chr16-57238746-A-G.
Other names: c.176A>G (NM_133368.1); c.176A>G, p.Gln59Arg (NM_001305163.2, NM_001305164.2, NM_001305182.2); short protein forms Q59R.
Identifiers: ClinVar variation 1348788 (VCV001348788.9), dbSNP rs377663780, ClinGen allele CA281528837.

ClinVar aggregate classification (germline): Uncertain significance. Review status: criteria provided, multiple submitters, no conflicts (2 of 4 stars). 2 submissions from 2 submitters: Uncertain significance (2). Last evaluated 2025-11-26.

Conditions:
Inborn genetic diseases. Identifiers: MedGen C0950123, MeSH D030342.

Allele frequency attached by ClinVar (database versions not stated): TOPMed 0.00003; gnomAD 0.00004; ESP Exome Variant Server 0.00008.
gnomAD v4.1: 6 of 1,614,074 alleles (0.00037%); highest among the groups gnomAD compares: African/African-American, 0.008%; no homozygotes.

Submissions (2):

Ambry Genetics
Classification: Uncertain significance for Inborn genetic diseases. Last evaluated: 2025-11-26. Review status: criteria provided, single submitter. Criteria: Ambry Variant Classification Scheme 2023. Collection method: clinical testing. Allele origin: germline.

Labcorp Genetics (formerly Invitae), Labcorp
Classification: Uncertain significance. Last evaluated: 2022-07-06. Review status: criteria provided, single submitter. Criteria: Invitae Variant Classification Sherloc (09022015). Collection method: clinical testing. Allele origin: germline.
Comment: In summary, the available evidence is currently insufficient to determine the role of this variant in disease. Therefore, it has been classified as a Variant of Uncertain Significance. Algorithms developed to predict the effect of missense changes on protein structure and function (SIFT, PolyPhen-2, Align-GVGD) all suggest that this variant is likely to be tolerated. ClinVar contains an entry for this variant (Variation ID: 1348788). This variant has not been reported in the literature in individuals affected with RSPRY1-related conditions. This variant is present in population databases (rs377663780, gnomAD 0.01%). This sequence change replaces glutamine, which is neutral and polar, with arginine, which is basic and polar, at codon 59 of the RSPRY1 protein (p.Gln59Arg).